The following is an entry in ClinVar:

ClinVar aggregate classification (germline): Likely pathogenic (1 of 4 stars; one submission).

Submission:

GeneDx
Classification: Likely pathogenic. Last evaluated: 2024-08-08. Review status: criteria provided, single submitter. Criteria: GeneDx Variant Classification Process June 2021. Collection method: clinical testing. Allele origin: germline. Affected: yes.
Comment: Not observed at significant frequency in large population cohorts (gnomAD); Intronic variant directly or indirectly altering the +5 splice site in a gene for which loss of function is a known mechanism of disease, and splice predictors support a deleterious effect; This variant is associated with the following publications: (PMID: 23284065)

NM_003919.3(SGCE):c.1037+5G>C

Genes: CASD1 (CAS1 domain containing 1; plus strand), SGCE (sarcoglycan epsilon; minus strand). Cytogenetic location: 7q21.3.
Variant type: single nucleotide variant.
Coding change: c.1037+5G>C on transcript NM_003919.3 (MANE Select); 5 bases into the intron after coding-DNA position 1037, G replaced by C.
Molecular consequence: intron variant.
Genome position (GRCh38, 1-based): chr7:94,600,641, C>G on the plus strand (G>C on the coding strand, the complement: SGCE is on the minus strand). VCF-style: chr7-94600641-C-G. GRCh37 (hg19) VCF-style: chr7-94229953-C-G.
Other names: c.914+5G>C (NM_001362809.2, NM_001301139.2); c.1037+5G>C (NM_001346717.2, NM_001099400.2, NM_001099401.2); c.1145+5G>C (NM_001346715.2, NM_001346713.2); c.950+5G>C (NM_001362807.2, NM_001346719.2); c.764+5G>C (NM_001362808.2, NM_001346720.2).
Identifiers: ClinVar variation 3730843 (VCV003730843.1).
Genomic context (GRCh38, chr7:94,600,641, plus strand): 5'-TGGAATCTTCTATGTTGTTATCTTAGCAGGATCTCTAATTATCTTATTAGTTTTAAAGTA[C>G]TCACACGCCTTCCCGTCGGCAGCACATGATATAAGCAAGTATTAGAAAAAGGACCAGTGC-3'